The following is an entry in ClinVar:

ClinVar aggregate classification (germline): Uncertain significance (1 of 4 stars; one submission).

Conditions:
ALMS1-related disorder. Also called: ALMS1-related condition.

Submission:

PreventionGenetics, part of Exact Sciences
Classification: Uncertain significance for ALMS1-related condition. Last evaluated: 2023-01-19. Review status: criteria provided, single submitter. Criteria: ACMG Guidelines, 2015. Collection method: clinical testing. Allele origin: germline.
Comment: The ALMS1 c.7732A>T variant is predicted to result in the amino acid substitution p.Ile2578Phe. To our knowledge, this variant has not been reported in the literature. This variant is reported in 0.0016% of alleles in individuals of European (Non-Finnish) descent in gnomAD. At this time, the clinical significance of this variant is uncertain due to the absence of conclusive functional and genetic evidence.

NM_001378454.1(ALMS1):c.7729A>T (p.Ile2577Phe)

Gene: ALMS1 (ALMS1 centrosome and basal body associated protein; plus strand). Cytogenetic location: 2p13.1.
Variant type: single nucleotide variant.
Coding change: c.7729A>T on transcript NM_001378454.1 (MANE Select); coding-DNA position 7729, A replaced by T.
Protein change: p.Ile2577Phe; replaces isoleucine 2577 with phenylalanine.
Molecular consequence: missense variant.
Genome position (GRCh38, 1-based): chr2:73,489,688, A>T. VCF-style: chr2-73489688-A-T. GRCh37 (hg19) VCF-style: chr2-73716815-A-T.
Other names: c.7732A>T, p.Ile2578Phe (NM_015120.4); short protein forms I2577F, I2578F.
Identifiers: ClinVar variation 2629930 (VCV002629930.1), dbSNP rs1672932360, ClinGen allele CA347263943.
Genomic context (GRCh38, chr2:73,489,688, plus strand): 5'-TTCTAGGGTTTACAGAGTCCACGGGGAATGGGATGCAAGCCAGAAGCTGTATGTAGTCAC[A>T]TTATTATTGAGAGCCATGAAAAGGGATGTTTCCGGACTCTAACTTCTGAACATCCACAAC-3'
Protein context (NP_001365383.1, residues 2567-2587): GCKPEAVCSH[Ile2577Phe]IIESHEKGCF